The following is an entry in ClinVar:

NM_004006.3(DMD):c.434G>C (p.Arg145Pro)

Gene: DMD (dystrophin; minus strand). Cytogenetic location: Xp21.1.
Variant type: single nucleotide variant.
Coding change: c.434G>C on transcript NM_004006.3 (MANE Select); coding-DNA position 434, G replaced by C.
Protein change: p.Arg145Pro; replaces arginine 145 with proline.
Molecular consequence: missense variant.
Genome position (GRCh38, 1-based): chrX:32,816,564, C>G on the plus strand (G>C on the coding strand, the complement: DMD is on the minus strand). VCF-style: chrX-32816564-C-G. GRCh37 (hg19) VCF-style: chrX-32834681-C-G.
Other names: c.410G>C, p.Arg137Pro (NM_000109.4); c.422G>C, p.Arg141Pro (NM_004009.3); c.65G>C, p.Arg22Pro (NM_004010.3); short protein forms R22P, R137P, R141P.
Identifiers: ClinVar variation 94622 (VCV000094622.21), dbSNP rs398123952, ClinGen allele CA222397.

ClinVar aggregate classification (germline): Pathogenic/Likely pathogenic. Review status: criteria provided, multiple submitters, no conflicts (2 of 4 stars). 5 submissions from 5 submitters: Pathogenic (4); Likely pathogenic (1). Last evaluated 2026-01-15.

Conditions:
DMD-related muscular dystrophy. Identifiers: MedGen CN379372, MONDO:0700285.
Duchenne muscular dystrophy (DMD). Also called: Duchenne Muscular Dystrophy (DMD); MUSCULAR DYSTROPHY, PSEUDOHYPERTROPHIC PROGRESSIVE, DUCHENNE TYPE. Identifiers: Orphanet 98896, MedGen C0013264, MONDO:0010679, OMIM 310200.

Submissions (5):

Victorian Clinical Genetics Services, Murdoch Childrens Research Institute
Classification: Likely pathogenic for DMD-related muscular dystrophy. Last evaluated: 2026-01-15. Review status: criteria provided, single submitter. Criteria: ACMG Guidelines, 2015. Collection method: clinical testing. Allele origin: germline.
Comment: This variant is classified as Likely pathogenic. Evidence in support of pathogenic classification: Variant is absent from gnomAD (v2, v3 and v4); This variant has strong previous evidence of pathogenicity in unrelated individuals. This variant has been classified as pathogenic by clinical laboratories in ClinVar, and reported in the literature in individuals with DMD-related features (PMIDs: 26911353, 28943641, 28859693, 34297739, 37754746; doi: 10.1055/s-0035-1550744); Missense variant predicted to be damaging by in silico tool(s) or highly conserved with a major amino acid change. Additional information: Variant is predicted to result in a missense amino acid change from Arg to Pro; This gene is associated with X-linked disease; Alternative amino acid change(s) at the same position are present in gnomAD (highest allele count: v4: 52 heterozygote(s), 0 homozygote(s), 21 hemizygote(s)); No published functional evidence has been identified for this variant; Other missense variant(s) comparable to the one identified in this case have inconclusive previous evidence for pathogenicity. p.(Arg145Gly) and p.(Arg145Gln) have been classified as VUS and VUS/likely benign, respectively, by clinical laboratories in ClinVar. In addition, p.(Arg145Gln) has been reported in the literature in an individual with cardiomyopathy (PMID: 39481677), and in the homozygous state in an individual in a sudden unexplained death cohort (PMID: 33895855); Variant is located in the annotated calponin homology (CH) domain (DECIPHER); Loss of function is a known mechanism of disease in this gene and is associated with DMD-related muscular dystrophy (MONDO:0700285).

Labcorp Genetics (formerly Invitae), Labcorp
Classification: Pathogenic for Duchenne muscular dystrophy. Last evaluated: 2024-03-09. Review status: criteria provided, single submitter. Criteria: Invitae Variant Classification Sherloc (09022015). Collection method: clinical testing. Allele origin: germline.
Comment: This sequence change replaces arginine, which is basic and polar, with proline, which is neutral and non-polar, at codon 145 of the DMD protein (p.Arg145Pro). This variant is not present in population databases (gnomAD no frequency). This missense change has been observed in individual(s) with DMD-related muscular dystrophy (PMID: 26911353, 34297739; Invitae; N. Greulich et. al. 2015). In at least one individual the variant was observed to be de novo. ClinVar contains an entry for this variant (Variation ID: 94622). Advanced modeling of protein sequence and biophysical properties (such as structural, functional, and spatial information, amino acid conservation, physicochemical variation, residue mobility, and thermodynamic stability) has been performed at Invitae for this missense variant, however the output from this modeling did not meet the statistical confidence thresholds required to predict the impact of this variant on DMD protein function. For these reasons, this variant has been classified as Pathogenic.

GeneDx
Classification: Pathogenic. Last evaluated: 2023-05-25. Review status: criteria provided, single submitter. Criteria: GeneDx Variant Classification Process June 2021. Collection method: clinical testing. Allele origin: germline. Affected: yes.
Comment: Not observed at significant frequency in large population cohorts (gnomAD); In silico analysis supports that this missense variant has a deleterious effect on protein structure/function; Missense variant in a gene in which most reported pathogenic variants are truncating/loss of function; This variant is associated with the following publications: (PMID: 26911353, 28859693, 32962870, 34297739)

Laboratory of Medical Genetics, National & Kapodistrian University of Athens
Classification: Pathogenic for Duchenne muscular dystrophy. Last evaluated: 2022-12-16. Review status: criteria provided, single submitter. Criteria: ACMG Guidelines, 2015. Collection method: clinical testing. Allele origin: germline. Affected: yes.
Comment: PM2, PP3, PP5, BP1

Eurofins Ntd Llc (ga)
Classification: Pathogenic. Last evaluated: 2015-09-28. Review status: criteria provided, single submitter. Criteria: EGL Classification Definitions. Collection method: clinical testing. Allele origin: germline. Observed: 2 variant alleles, 2 hemizygotes.

Literature cited by the submitters: PubMed 37754746 (cited by Victorian Clinical Genetics Services, Murdoch Childrens Research Institute); PubMed 28943641 (cited by Victorian Clinical Genetics Services, Murdoch Childrens Research Institute); PubMed 28859693 (cited by Victorian Clinical Genetics Services, Murdoch Childrens Research Institute); PubMed 39481677 (cited by Victorian Clinical Genetics Services, Murdoch Childrens Research Institute); PubMed 33895855 (cited by Victorian Clinical Genetics Services, Murdoch Childrens Research Institute); PubMed 34297739 (cited by Victorian Clinical Genetics Services, Murdoch Childrens Research Institute and Labcorp Genetics (formerly Invitae), Labcorp); PubMed 26911353 (cited by Victorian Clinical Genetics Services, Murdoch Childrens Research Institute and Labcorp Genetics (formerly Invitae), Labcorp); PubMed 2015 (cited by Labcorp Genetics (formerly Invitae), Labcorp).